The following is an entry in ClinVar:

NM_014889.4(PITRM1):c.267-9_267-8insCGTCCCTAGCGTGCCATTCCTCTCT

Gene: PITRM1 (pitrilysin metallopeptidase 1; minus strand). Cytogenetic location: 10p15.2.
Variant type: Microsatellite.
Coding change: c.267-9_267-8insCGTCCCTAGCGTGCCATTCCTCTCT on transcript NM_014889.4 (MANE Select); 9 bases into the intron before coding-DNA position 267 through 8 bases into the intron before coding-DNA position 267, CGTCCCTAGCGTGCCATTCCTCTCT inserted.
Molecular consequence: intron variant.
Genome position: GRCh38 VCF-style: chr10-3166388-A-AGAGAGAGGAATGGCACGCTAGGGAC. GRCh37 (hg19) VCF-style: chr10-3208580-A-AGAGAGAGGAATGGCACGCTAGGGAC.
Other names: c.243-9_243-8insCGTCCCTAGCGTGCCATTCCTCTCT (NM_001347730.1, NM_001347729.1); c.171-9_171-8insCGTCCCTAGCGTGCCATTCCTCTCT (NM_001242309.1); c.-305-9_-305-8insCGTCCCTAGCGTGCCATTCCTCTCT (NM_001347726.2, NM_001347727.2); c.-1034-9_-1034-8insCGTCCCTAGCGTGCCATTCCTCTCT (NM_001347728.2); c.267-9_267-8insCGTCCCTAGCGTGCCATTCCTCTCT (NM_001347725.2, NM_001242307.2).
Identifiers: ClinVar variation 2192866 (VCV002192866.2), dbSNP rs570888053.
Genomic context (GRCh38, chr10:3,166,388, plus strand): 5'-CAAGAATGTGAGGAACACCAGTACTGTCCATGGGAGTAGTACGGAACTGCACGCTAGGGA[A>AGAGAGAGGAATGGCACGCTAGGGAC]GGAGAATGACCAGAACGCAAAAGGTTCAGCTTAGTGCTGCGGACACAGTTCCCAGATGCA-3'

ClinVar aggregate classification (germline): Uncertain significance (1 of 4 stars; one submission).

Submission:

Labcorp Genetics (formerly Invitae), Labcorp
Classification: Uncertain significance. Last evaluated: 2023-06-30. Review status: criteria provided, single submitter. Criteria: Invitae Variant Classification Sherloc (09022015). Collection method: clinical testing. Allele origin: germline.
Comment: This variant has not been reported in the literature in individuals affected with PITRM1-related conditions. This variant is not present in population databases (gnomAD no frequency). This sequence change falls in intron 2 of the PITRM1 gene. It does not directly change the encoded amino acid sequence of the PITRM1 protein. Algorithms developed to predict the effect of sequence changes on RNA splicing suggest that this variant may create or strengthen a splice site. In summary, the available evidence is currently insufficient to determine the role of this variant in disease. Therefore, it has been classified as a Variant of Uncertain Significance.